The following is an entry in ClinVar:

NM_001243279.3(ACSF3):c.1073C>A (p.Thr358Asn)

Genes: ACSF3 (acyl-CoA synthetase family member 3; plus strand), LOC125177393 (P300/CBP strongly-dependent group 1 enhancer GRCh37_chr16:89180375-89181574; plus strand). Cytogenetic location: 16q24.3.
Variant type: single nucleotide variant.
Coding change: c.1073C>A on transcript NM_001243279.3 (MANE Select); coding-DNA position 1073, C replaced by A.
Protein change: p.Thr358Asn; replaces threonine 358 with asparagine.
Molecular consequence: missense variant. On other transcripts: non-coding transcript variant (2).
Genome position (GRCh38, 1-based): chr16:89,114,434, C>A. VCF-style: chr16-89114434-C-A. GRCh37 (hg19) VCF-style: chr16-89180842-C-A.
Other names: c.1073C>A, p.Thr358Asn (NM_001127214.4, NM_174917.5); c.278C>A, p.Thr93Asn (NM_001284316.2); short protein forms T358N, T93N.
Identifiers: ClinVar variation 2577201 (VCV002577201.1), dbSNP rs387907120, ClinGen allele CA397140489.

ClinVar aggregate classification (germline): Uncertain significance (1 of 4 stars; one submission).

Allele frequency attached by ClinVar (database versions not stated): gnomAD 0.00001.
gnomAD v4.1: 1 of 1,613,562 alleles (0.000062%); highest among the groups gnomAD compares: Non-Finnish European, 0.000085%; no homozygotes.

Submission:

Women's Health and Genetics/Laboratory Corporation of America, LabCorp
Classification: Uncertain significance. Last evaluated: 2023-07-28. Review status: criteria provided, single submitter. Criteria: LabCorp Variant Classification Summary - May 2015. Collection method: clinical testing. Allele origin: germline.
Comment: Variant summary: ACSF3 c.1073C>A (p.Thr358Asn) results in a non-conservative amino acid change located in the AMP-dependent synthetase/ligase domain (IPR000873) of the encoded protein sequence. Five of five in-silico tools predict a damaging effect of the variant on protein function. The variant was absent in 250810 control chromosomes. The available data on variant occurrences in the general population are insufficient to allow any conclusion about variant significance. To our knowledge, no occurrence of c.1073C>A in individuals affected with Combined Malonic And Methylmalonic Aciduria and no experimental evidence demonstrating its impact on protein function have been reported. No submitters have cited clinical-significance assessments for this variant to ClinVar after 2014. Based on the evidence outlined above, the variant was classified as uncertain significance.